The following is an entry in ClinVar:

ClinVar aggregate classification (germline): Pathogenic. Review status: criteria provided, multiple submitters, no conflicts (2 of 4 stars). 2 submissions from 2 submitters: Pathogenic (2). Last evaluated 2024-02-14.

Conditions:
USH2A-related disorder. Also called: USH2A-related condition; USH2A-related disorders. Identifiers: MedGen CN239332.

Submissions (2):

Myriad Genetics, Inc.
Classification: Pathogenic for USH2A-related disorder. Last evaluated: 2024-02-14. Review status: criteria provided, single submitter. Criteria: Myriad Autosomal Dominant, Autosomal Recessive and X-Linked Classification Criteria (2023). Collection method: clinical testing. Allele origin: unknown.
Comment: NM_206933.2(USH2A):c.8271T>G(Y2757*) is expected to be pathogenic in the context of USH2A-related disorders. This variant is predicted to lead to an abnormal or absent protein product due to the creation of a premature termination codon in USH2A, a gene where loss-of-function variants are known to be pathogenic. Please note: this variant was assessed in the context of healthy population screening.

Genomic Research Center, Shahid Beheshti University of Medical Sciences
Classification: Pathogenic for USH2A-Related Disorders. Last evaluated: 2019-04-27. Review status: criteria provided, single submitter. Criteria: ACMG Guidelines, 2015. Collection method: clinical testing. Allele origin: unknown. Affected: no.

NM_206933.4(USH2A):c.8271T>G (p.Tyr2757Ter)

Gene: USH2A (usherin; minus strand). Cytogenetic location: 1q41.
Variant type: single nucleotide variant.
Coding change: c.8271T>G on transcript NM_206933.4 (MANE Select); coding-DNA position 8271, T replaced by G.
Protein change: p.Tyr2757Ter; replaces tyrosine 2757 with a stop codon.
Molecular consequence: nonsense.
Genome position (GRCh38, 1-based): chr1:215,879,051, A>C on the plus strand (T>G on the coding strand, the complement: USH2A is on the minus strand). VCF-style: chr1-215879051-A-C. GRCh37 (hg19) VCF-style: chr1-216052393-A-C.
Other names: short protein forms Y2757*.
Identifiers: ClinVar variation 638304 (VCV000638304.4), dbSNP rs1571774019, ClinGen allele CA344832601.